The following is an entry in ClinVar:

ClinVar aggregate classification (germline): Likely benign (1 of 4 stars; one submission).

gnomAD v4.1: 60 of 1,610,900 alleles (0.0037%); highest among the groups gnomAD compares: South Asian, 0.022%; 1 homozygote.

Submission:

CeGaT Center for Human Genetics Tuebingen
Classification: Likely benign. Last evaluated: 2025-06-01. Review status: criteria provided, single submitter. Criteria: CeGaT Center For Human Genetics Tuebingen Variant Classification Criteria Version 2. Collection method: clinical testing. Allele origin: germline. Affected: yes. Observed: 1 variant allele.
Comment: HELZ2: BP4, BP7

NM_001037335.2(HELZ2):c.3402C>T (p.Phe1134=)

Gene: HELZ2 (helicase with zinc finger 2; minus strand). Cytogenetic location: 20q13.33.
Variant type: single nucleotide variant.
Coding change: c.3402C>T on transcript NM_001037335.2 (MANE Select); coding-DNA position 3402, C replaced by T.
Protein change: p.Phe1134=; no amino-acid change (phenylalanine 1134 retained).
Molecular consequence: synonymous variant.
Genome position (GRCh38, 1-based): chr20:63,565,420, G>A on the plus strand (C>T on the coding strand, the complement: HELZ2 is on the minus strand). VCF-style: chr20-63565420-G-A. GRCh37 (hg19) VCF-style: chr20-62196773-G-A.
Other names: c.1695C>T, p.Phe565= (NM_033405.3).
Identifiers: ClinVar variation 4084128 (VCV004084128.8).